The following is an entry in ClinVar:

ClinVar aggregate classification (germline): Uncertain significance. Review status: criteria provided, multiple submitters, no conflicts (2 of 4 stars). 2 submissions from 2 submitters: Uncertain significance (2). Last evaluated 2025-12-26.

Conditions:
Facioscapulohumeral muscular dystrophy 2 (FSHD2). Also called: MUSCULAR DYSTROPHY, FACIOSCAPULOHUMERAL, TYPE 1B; FACIOSCAPULOHUMERAL MUSCULAR DYSTROPHY 2, DIGENIC; FSHD2, DIGENIC. Identifiers: Orphanet 269, MedGen C1834671, MONDO:0008031, OMIM 158901.

Allele frequency attached by ClinVar (database versions not stated): gnomAD 0.00001 and 0.00002; gnomAD exomes 0.00002; TOPMed 0.00002; ExAC 0.00003.
gnomAD v4.1: 33 of 1,603,706 alleles (0.0021%); highest among the groups gnomAD compares: East Asian, 0.0045%; no homozygotes.

Submissions (2):

Labcorp Genetics (formerly Invitae), Labcorp
Classification: Uncertain significance for Facioscapulohumeral muscular dystrophy 2. Last evaluated: 2025-12-26. Review status: criteria provided, single submitter. Criteria: Invitae Variant Classification Sherloc (09022015). Collection method: clinical testing. Allele origin: germline.
Comment: This sequence change replaces arginine, which is basic and polar, with glutamine, which is neutral and polar, at codon 1596 of the SMCHD1 protein (p.Arg1596Gln). This variant is present in population databases (rs770649222, gnomAD 0.003%). This variant has not been reported in the literature in individuals affected with SMCHD1-related conditions. ClinVar contains an entry for this variant (Variation ID: 497660). Invitae Evidence Modeling of protein sequence and biophysical properties (such as structural, functional, and spatial information, amino acid conservation, physicochemical variation, residue mobility, and thermodynamic stability) indicates that this missense variant is not expected to disrupt SMCHD1 protein function with a negative predictive value of 80%. In summary, the available evidence is currently insufficient to determine the role of this variant in disease. Therefore, it has been classified as a Variant of Uncertain Significance.

Eurofins Ntd Llc (ga)
Classification: Uncertain significance. Last evaluated: 2016-10-21. Review status: criteria provided, single submitter. Criteria: EGL Classification Definitions 2015. Collection method: clinical testing. Allele origin: germline. Observed: 1 variant allele, 1 heterozygote.

NM_015295.3(SMCHD1):c.4787G>A (p.Arg1596Gln)

Gene: SMCHD1 (structural maintenance of chromosomes flexible hinge domain containing 1; plus strand). Cytogenetic location: 18p11.32.
Variant type: single nucleotide variant.
Coding change: c.4787G>A on transcript NM_015295.3 (MANE Select); coding-DNA position 4787, G replaced by A.
Protein change: p.Arg1596Gln; replaces arginine 1596 with glutamine.
Molecular consequence: missense variant.
Genome position (GRCh38, 1-based): chr18:2,769,761, G>A. VCF-style: chr18-2769761-G-A. GRCh37 (hg19) VCF-style: chr18-2769759-G-A.
Other names: short protein forms R1596Q.
Identifiers: ClinVar variation 497660 (VCV000497660.9), dbSNP rs770649222, ClinGen allele CA8871571.
Genomic context (GRCh38, chr18:2,769,761, plus strand): 5'-TGCTGGCAGAAAGTAGTCCTGGAAGGGATAGTACTGAATATTTTATTGTATTTGAGCCCC[G>A]GCTACCACTTTTATCAAGAACCTTAGAACCATATATCCTACCGTTCATGTTTTACAATGG-3'
Protein context (NP_056110.2, residues 1586-1606): STEYFIVFEP[Arg1596Gln]LPLLSRTLEP